The following is an entry in ClinVar:

NM_000170.3(GLDC):c.825C>G (p.Asp275Glu)

Gene: GLDC (glycine decarboxylase; minus strand). Cytogenetic location: 9p24.1.
Variant type: single nucleotide variant.
Coding change: c.825C>G on transcript NM_000170.3 (MANE Select); coding-DNA position 825, C replaced by G.
Protein change: p.Asp275Glu; replaces aspartic acid 275 with glutamic acid.
Molecular consequence: missense variant.
Genome position (GRCh38, 1-based): chr9:6,605,167, G>C on the plus strand (C>G on the coding strand, the complement: GLDC is on the minus strand). VCF-style: chr9-6605167-G-C. GRCh37 (hg19) VCF-style: chr9-6605167-G-C.
Other names: c.825C>G (NM_000170.2); short protein forms D275E.
Identifiers: ClinVar variation 1509840 (VCV001509840.7), dbSNP rs1818704651, ClinGen allele CA372896334.

ClinVar aggregate classification (germline): Uncertain significance. Review status: criteria provided, single submitter (1 of 4 stars). 2 submissions from 2 submitters: Uncertain significance (1). 1 of the submissions does not count toward it. Last evaluated 2025-03-27.

Conditions:
Glycine encephalopathy. Also called: Nonketotic hyperglycinemia; Non-ketotic hyperglycinemia. Identifiers: Orphanet 407, MedGen C0751748, MONDO:0011612, HP:0008288.

Allele frequency attached by ClinVar (database versions not stated): TOPMed below 0.00001.

Submissions (2):

Labcorp Genetics (formerly Invitae), Labcorp
Classification: Uncertain significance for Glycine encephalopathy. Last evaluated: 2025-03-27. Review status: criteria provided, single submitter. Criteria: Invitae Variant Classification Sherloc (09022015). Collection method: clinical testing. Allele origin: germline.
Comment: This sequence change replaces aspartic acid, which is acidic and polar, with glutamic acid, which is acidic and polar, at codon 275 of the GLDC protein (p.Asp275Glu). This variant is not present in population databases (gnomAD no frequency). This variant has not been reported in the literature in individuals affected with GLDC-related conditions. ClinVar contains an entry for this variant (Variation ID: 1509840). Invitae Evidence Modeling of protein sequence and biophysical properties (such as structural, functional, and spatial information, amino acid conservation, physicochemical variation, residue mobility, and thermodynamic stability) indicates that this missense variant is not expected to disrupt GLDC protein function with a negative predictive value of 80%. In summary, the available evidence is currently insufficient to determine the role of this variant in disease. Therefore, it has been classified as a Variant of Uncertain Significance.

Natera, Inc.
Classification: Uncertain significance for Non-ketotic hyperglycinemia. Last evaluated: 2025-02-07. Review status: no assertion criteria provided. Collection method: clinical testing. Allele origin: germline. Not counted in ClinVar's aggregate classification.